The following is an entry in ClinVar:

ClinVar aggregate classification (germline): Conflicting classifications of pathogenicity. Review status: criteria provided, conflicting classifications (1 of 4 stars). 3 submissions from 3 submitters: Uncertain significance (2); Likely benign (1). Last evaluated 2025-10-18.

Conditions:
Inborn genetic diseases. Identifiers: MedGen C0950123, MeSH D030342.

Allele frequency attached by ClinVar (database versions not stated): ExAC 0.00007; TOPMed 0.00012; gnomAD 0.00015; gnomAD exomes 0.00021; ESP Exome Variant Server 0.00023.
gnomAD v4.1: 328 of 1,613,076 alleles (0.02%); highest among the groups gnomAD compares: Non-Finnish European, 0.027%; 2 homozygotes.

Submissions (3):

Labcorp Genetics (formerly Invitae), Labcorp
Classification: Uncertain significance. Last evaluated: 2025-10-18. Review status: criteria provided, single submitter. Criteria: Invitae Variant Classification Sherloc (09022015). Collection method: clinical testing. Allele origin: germline.
Comment: This sequence change replaces threonine, which is neutral and polar, with isoleucine, which is neutral and non-polar, at codon 1001 of the WDR11 protein (p.Thr1001Ile). This variant is present in population databases (rs372949410, gnomAD 0.02%). This variant has not been reported in the literature in individuals affected with WDR11-related conditions. ClinVar contains an entry for this variant (Variation ID: 3189831). An algorithm developed to predict the effect of missense changes on protein structure and function (PolyPhen-2) suggests that this variant is likely to be tolerated. In summary, the available evidence is currently insufficient to determine the role of this variant in disease. Therefore, it has been classified as a Variant of Uncertain Significance.

Blueprint Genetics
Classification: Likely benign. Last evaluated: 2023-06-23. Review status: criteria provided, single submitter. Criteria: ACMG Guidelines, 2015. Collection method: clinical testing. Allele origin: germline.

Ambry Genetics
Classification: Uncertain significance for Inborn genetic diseases. Last evaluated: 2022-04-08. Review status: criteria provided, single submitter. Criteria: Ambry Variant Classification Scheme 2023. Collection method: clinical testing. Allele origin: germline.

NM_018117.12(WDR11):c.3002C>T (p.Thr1001Ile)

Gene: WDR11 (WD repeat domain 11; plus strand). Cytogenetic location: 10q26.12.
Variant type: single nucleotide variant.
Coding change: c.3002C>T on transcript NM_018117.12 (MANE Select); coding-DNA position 3002, C replaced by T.
Protein change: p.Thr1001Ile; replaces threonine 1001 with isoleucine.
Molecular consequence: missense variant.
Genome position (GRCh38, 1-based): chr10:120,904,117, C>T. VCF-style: chr10-120904117-C-T. GRCh37 (hg19) VCF-style: chr10-122663629-C-T.
Other names: short protein forms T1001I.
Identifiers: ClinVar variation 3189831 (VCV003189831.3), dbSNP rs372949410, ClinGen allele CA5720176.